The following is an entry in ClinVar:

NM_000552.5(VWF):c.7390C>T (p.Arg2464Cys)

Gene: VWF (von Willebrand factor; minus strand). Cytogenetic location: 12p13.31.
Variant type: single nucleotide variant.
Coding change: c.7390C>T on transcript NM_000552.5 (MANE Select); coding-DNA position 7390, C replaced by T.
Protein change: p.Arg2464Cys; replaces arginine 2464 with cysteine.
Molecular consequence: missense variant.
Genome position (GRCh38, 1-based): chr12:5,976,158, G>A on the plus strand (C>T on the coding strand, the complement: VWF is on the minus strand). VCF-style: chr12-5976158-G-A. GRCh37 (hg19) VCF-style: chr12-6085324-G-A.
Other names: p.R2464C; p.Arg2464Cys; short protein forms R2464C.
Identifiers: ClinVar variation 100467 (VCV000100467.31), dbSNP rs61751286, ClinGen allele CA228786.

ClinVar aggregate classification (germline): Pathogenic/Likely pathogenic. Review status: criteria provided, multiple submitters, no conflicts (2 of 4 stars). 16 submissions from 16 submitters: Pathogenic (3); Likely pathogenic (11). 2 of the submissions do not count toward it. Last evaluated 2026-04-14.

Conditions:
von Willebrand disease type 1 (VWD1). Also called: VON WILLEBRAND DISEASE, TYPE I; VWD, TYPE 1. Identifiers: Orphanet 166078, Orphanet 903, MedGen C1264039, MONDO:0008668, OMIM 193400. Inheritance: autosomal recessive or autosomal dominant.
von Willebrand disease type 3 (VWD3). Also called: Type 3 Von Willebrand's disease; Type 3 VWD; Von Willebrand disease, severe form; V WD3; VON WILLEBRAND DISEASE, TYPE III. Identifiers: Orphanet 166096, MedGen C1264041, MONDO:0010191, OMIM 277480.
von Willebrand disorder (VWD). Also called: von Willebrand's disease; Von Willebrand disease (hereditary or acquired); von Willebrand Diseases. Identifiers: MedGen C0042974, MeSH D014842, MONDO:0024574.
VWF-related disorder. Also called: VWF-related disorders; VWF-related condition.
Hereditary von Willebrand disease. Identifiers: Orphanet 903, MedGen C5703318, MONDO:0019565. Inheritance: Autosomal recessive or Autosomal dominant.
Thrombocytopenia. Identifiers: MedGen C0040034, MeSH D013921, MONDO:0002049, HP:0001873.
Abnormal bleeding. Also called: Bleeding diathesis. Identifiers: MedGen C1458140, HP:0001892.

Allele frequency attached by ClinVar (database versions not stated): ExAC 0.00004; gnomAD exomes 0.00008 and 0.00021; TOPMed 0.00009; gnomAD 0.00012 and 0.00014; 1000 Genomes Project 30x 0.00016; 1000 Genomes Project 0.00020.
gnomAD v4.1: 324 of 1,614,086 alleles (0.02%); highest among the groups gnomAD compares: Middle Eastern, 0.05%; no homozygotes.

Submissions 1 to 7 of 16:

PreventionGenetics, part of Exact Sciences
Classification: Likely pathogenic for VWF-related condition. Last evaluated: 2026-04-14. Review status: criteria provided, single submitter. Criteria: ACMG Guidelines, 2015. Collection method: clinical testing. Allele origin: germline.
Comment: The VWF c.7390C>T variant is predicted to result in the amino acid substitution p.Arg2464Cys. This variant has been reported in the heterozygous and compound heterozygous states in multiple individuals with von Willebrand disease (VWF) type 1, type 2M, and low VWF (LVWF, Goodeve et al. 2007. PubMed ID: 16985174; Budde et al. 2008. PubMed ID: 18315556; Shi et al. 2025. PubMed ID: 40400463) and has been noted to segregate with the disease in families (Eikenboom et al. 2009. PubMed ID: 19566550; Table S3, Baz et al. 2021. PubMed ID: 34272389; Shi Q. et al. 2025. PubMed ID: 40400463). In vitro experimental studies suggest this variant results in subnormal secretion, abnormal migration, and reduced platelet binding (Manderstedt et al. 2018. PubMed ID: 31249928; Shi Q. et al. 2025. PubMed ID: 40400463). This variant is reported in 0.016% of alleles in individuals of African descent in gnomAD and is classified as likely pathogenic or pathogenic in ClinVar (Variation ID: ID: 100467). This variant is interpreted as likely pathogenic.

Mayo Clinic Laboratories, Mayo Clinic
Classification: Likely pathogenic. Last evaluated: 2025-09-30. Review status: criteria provided, single submitter. Criteria: ACMG Guidelines, 2015. Collection method: clinical testing. Allele origin: germline. Observed: 2 variant alleles.
Comment: PS3_moderate, PS4_very_strong

GeneDx
Classification: Likely pathogenic. Last evaluated: 2025-06-02. Review status: criteria provided, single submitter. Criteria: GeneDx Variant Classification Process June 2021. Collection method: clinical testing. Allele origin: germline. Affected: yes.
Comment: Published laboratory and functional studies demonstrate that R2464C is associated with an abnormal fast-running and smeary VWF multimer profile (PMID: 19566550, 18315556); In silico analysis indicates that this missense variant does not alter protein structure/function; This variant is associated with the following publications: (PMID: 30504698, 18230755, 18315556, 19506359, 19506353, 23216583, 19566550, 17200787, 16985174, 17190853, 31589614, 34272389, 32108991, 31968368, 38203291, 33556167, 37647632, 27535533, 40123275)

Dasa
Classification: Likely pathogenic. Last evaluated: 2025-05-29. Review status: criteria provided, single submitter. Criteria: DASA Assertion Criteria. Collection method: clinical testing. Allele origin: germline.
Comment: NM_000552.5(VWF):c.7390C>T (p.Arg2464Cys) is a missense variant that results in the substitution of arginine with cysteine. This variant has been recurrently observed in individuals with VWF-related disorders (PMID: 34272389; PMID: 33556167; PMID: 31249928; PMID: 16985174; PMID: 17190853). Functional evidence supports an impact on the gene or gene product (PMID: 34272389; PMID: 17200787; PMID: 16985174; PMID: 18315556; PMID: 19566550). Also, this variant is rare in population databases. Based on the currently available evidence, this variant is classified as likely pathogenic.

Blueprint Genetics
Classification: Likely pathogenic for VWF-related disorders. Last evaluated: 2024-10-18. Review status: criteria provided, single submitter. Criteria: ACMG Guidelines, 2015. Collection method: clinical testing. Allele origin: germline. Affected: yes. Observed: 5 variant alleles.

Women's Health and Genetics/Laboratory Corporation of America, LabCorp
Classification: Likely pathogenic for von Willebrand disorder. Last evaluated: 2024-09-10. Review status: criteria provided, single submitter. Criteria: LabCorp Variant Classification Summary - May 2015. Collection method: clinical testing. Allele origin: germline.
Comment: Variant summary: VWF c.7390C>T (p.Arg2464Cys) results in a non-conservative amino acid change located in the VWFC domain (IPR001007) of the encoded protein sequence. Four of five in-silico tools predict a damaging effect of the variant on protein function. The variant allele was found at a frequency of 8e-05 in 251310 control chromosomes. This frequency is not significantly higher than estimated for a pathogenic variant in VWF causing Von Willebrand Disease, allowing no conclusion about variant significance. c.7390C>T has been reported in the literature in heterozygous and compound heterozygous individuals affected with Von Willebrand Disease (Goodeve_2006, James_2007, Castaman_2008, Manderstedt_2018, Almazni_2020, Baz_2021). These data indicate that the variant is likely to be associated with disease. At least one functional study reports this variant in transfected cells showed a mild reduction in the amount of secreted VWF and characteristic faster running multimeric bands indicating that this mutation is probably causative(Eikenboom_2009). The following publications have been ascertained in the context of this evaluation (PMID: 32935436, 34272389, 18230755, 19566550, 16985174, 17190853, 31249928, 26986123, 18230755). ClinVar contains an entry for this variant (Variation ID: 100467). Based on the evidence outlined above, the variant was classified as likely pathogenic.

ARUP Laboratories, Molecular Genetics and Genomics, ARUP Laboratories
Classification: Likely pathogenic. Last evaluated: 2023-11-09. Review status: criteria provided, single submitter. Criteria: ARUP Molecular Germline Variant Investigation Process 2024. Collection method: clinical testing. Allele origin: germline.
Comment: The VWF c.7390C>T; p.Arg2464Cys variant (rs61751286) is reported in individuals diagnosed with type 1 VWD or unclassified VWD and has been reported to segregate with disease in families (Eikenboom 2009, Goodeve 2007, Lester 2007, Manderstedt 2018, Sadler 2021). This variant is also reported in ClinVar (Variation ID: 100467). It is observed in the general population with an overall allele frequency of 0.008% (23/282494 alleles) in the Genome Aggregation Database. Computational analyses are uncertain whether this variant is neutral or deleterious (REVEL: 0.397). Based on available information, this variant is considered to be likely pathogenic. References: Eikenboom J et al. Expression of 14 von Willebrand factor mutations identified in patients with type 1 von Willebrand disease from the MCMDM-1VWD study. J Thromb Haemost. 2009 Aug;7(8):1304-12. PMID: 19566550. Goodeve A et al. Phenotype and genotype of a cohort of families historically diagnosed with type 1 von Willebrand disease in the European study, Molecular and Clinical Markers for the Diagnosis and Management of Type 1 von Willebrand Disease (MCMDM-1VWD). Blood. 2007 Jan 1;109(1):112-21. PMID: 16985174. Lester WA et al. The R2464C missense mutation in the von Willebrand factor gene causes a novel abnormality of multimer electrophoretic mobility and falls into the subgroup of type 2 von Willebrand disease 'unclassified'. Thromb Haemost. 2007 Jan;97(1):159-60. PMID: 17200787. Manderstedt E et al. Genetic Variation in the von Willebrand Factor Gene in Swedish von Willebrand Disease Patients. TH Open. 2018 Jan 30;2(1):e39-e48. PMID: 31249928. Sadler B et al. von Willebrand factor antigen levels are associated with burden of rare nonsynonymous variants in the VWF gene. Blood. 2021 Jun 10;137(23):3277-3283. PMID: 33556167.